The following is an entry in ClinVar:

NM_001378477.3(NYX):c.423C>T (p.Arg141=)

Gene: NYX (nyctalopin; plus strand). Cytogenetic location: Xp11.4.
Variant type: single nucleotide variant.
Coding change: c.423C>T on transcript NM_001378477.3 (MANE Select); coding-DNA position 423, C replaced by T.
Protein change: p.Arg141=; no amino-acid change (arginine 141 retained).
Molecular consequence: synonymous variant.
Genome position (GRCh38, 1-based): chrX:41,473,891, C>T. VCF-style: chrX-41473891-C-T. GRCh37 (hg19) VCF-style: chrX-41333144-C-T.
Other names: c.423C>T, p.Arg141= (NM_022567.3).
Identifiers: ClinVar variation 760220 (VCV000760220.13), dbSNP rs932359645, ClinGen allele CA329217043.
Genomic context (GRCh38, chrX:41,473,891, plus strand): 5'-GCACGCGCGCACCTTCGCGGCGCTCAGCCGCCTGCGCCGCCTAGACCTAGCAGCCTGCCG[C>T]CTCTTCAGCGTGCCCGAGCGCCTCCTGGCCGAACTGCCGGCCCTGCGCGAACTCGCCGCC-3'
Protein context (NP_001365406.2, residues 131-151): RLRRLDLAAC[Arg141=]LFSVPERLLA

ClinVar aggregate classification (germline): Likely benign. Review status: criteria provided, multiple submitters, no conflicts (2 of 4 stars). 3 submissions from 3 submitters: Likely benign (2). 1 of the submissions does not count toward it. Last evaluated 2025-03-17.

Conditions:
NYX-related disorder. Also called: NYX-related condition.

Allele frequency attached by ClinVar (database versions not stated): TOPMed 0.00001; gnomAD exomes 0.00002.
gnomAD v4.1: 15 of 1,130,141 alleles (0.0013%); highest among the groups gnomAD compares: Non-Finnish European, 0.0017%; no homozygotes.

Submissions (3):

Labcorp Genetics (formerly Invitae), Labcorp
Classification: Likely benign. Last evaluated: 2025-03-17. Review status: criteria provided, single submitter. Criteria: Invitae Variant Classification Sherloc (09022015). Collection method: clinical testing. Allele origin: germline.

Blueprint Genetics
Classification: Likely benign. Last evaluated: 2018-08-24. Review status: criteria provided, single submitter. Criteria: ACMG Guidelines, 2015. Collection method: clinical testing. Allele origin: germline.

PreventionGenetics, part of Exact Sciences
Classification: Likely benign for NYX-related condition. Last evaluated: 2019-07-18. Review status: no assertion criteria provided. Collection method: clinical testing. Allele origin: germline. Not counted in ClinVar's aggregate classification.
Comment: This variant is classified as likely benign based on ACMG/AMP sequence variant interpretation guidelines (Richards et al. 2015 PMID: 25741868, with internal and published modifications).